The following is an entry in ClinVar:

ClinVar aggregate classification (germline): Uncertain significance (1 of 4 stars; one submission).

Conditions:
Distal myopathy with posterior leg and anterior hand involvement. Also called: WILLIAMS DISTAL MYOPATHY. Identifiers: Orphanet 63273, MedGen C3279722, MONDO:0013550, OMIM 614065.
Hypertrophic cardiomyopathy 26. Also called: Cardiomyopathy, familial hypertrophic, 26. Identifiers: Orphanet 75249, MedGen C4310749, MONDO:0014883, OMIM 617047.
Myofibrillar myopathy 5. Also called: Filaminopathy (type); FILAMINOPATHY, AUTOSOMAL DOMINANT. Identifiers: Orphanet 171445, MedGen C1836050, MONDO:0012289, OMIM 609524.

Submission:

Labcorp Genetics (formerly Invitae), Labcorp
Classification: Uncertain significance for Distal myopathy with posterior leg and anterior hand involvement; Myofibrillar myopathy 5; Hypertrophic cardiomyopathy 26. Last evaluated: 2024-08-11. Review status: criteria provided, single submitter. Criteria: Invitae Variant Classification Sherloc (09022015). Collection method: clinical testing. Allele origin: germline.
Comment: This sequence change replaces proline, which is neutral and non-polar, with alanine, which is neutral and non-polar, at codon 200 of the FLNC protein (p.Pro200Ala). This variant is not present in population databases (gnomAD no frequency). This variant has not been reported in the literature in individuals affected with FLNC-related conditions. Advanced modeling of protein sequence and biophysical properties (such as structural, functional, and spatial information, amino acid conservation, physicochemical variation, residue mobility, and thermodynamic stability) has been performed at Invitae for this missense variant, however the output from this modeling did not meet the statistical confidence thresholds required to predict the impact of this variant on FLNC protein function. In summary, the available evidence is currently insufficient to determine the role of this variant in disease. Therefore, it has been classified as a Variant of Uncertain Significance.

NM_001458.5(FLNC):c.598C>G (p.Pro200Ala)

Gene: FLNC (filamin C; plus strand). Cytogenetic location: 7q32.1.
Variant type: single nucleotide variant.
Coding change: c.598C>G on transcript NM_001458.5 (MANE Select); coding-DNA position 598, C replaced by G.
Protein change: p.Pro200Ala; replaces proline 200 with alanine.
Molecular consequence: missense variant.
Genome position (GRCh38, 1-based): chr7:128,835,571, C>G. VCF-style: chr7-128835571-C-G. GRCh37 (hg19) VCF-style: chr7-128475625-C-G.
Other names: c.598C>G, p.Pro200Ala (NM_001127487.2); short protein forms P200A.
Identifiers: ClinVar variation 3757625 (VCV003757625.2).